The following is an entry in ClinVar:

ClinVar aggregate classification (germline): Pathogenic/Likely pathogenic. Review status: criteria provided, multiple submitters, no conflicts (2 of 4 stars). 4 submissions from 4 submitters: Pathogenic (3); Likely pathogenic (1). Last evaluated 2025-10-31.

Conditions:
Breast-ovarian cancer, familial, susceptibility to, 4. Identifiers: Orphanet 145, MedGen C3280345, MONDO:0013669, OMIM 614291.
Hereditary cancer-predisposing syndrome. Also called: Neoplastic Syndromes, Hereditary; Tumor predisposition; Hereditary neoplastic syndrome; Hereditary Cancer Syndrome. Identifiers: Orphanet 140162, MedGen C0027672, MeSH D009386, MONDO:0015356.

Submissions (4):

Ambry Genetics
Classification: Pathogenic for Hereditary cancer-predisposing syndrome. Last evaluated: 2025-10-31. Review status: criteria provided, single submitter. Criteria: Ambry Variant Classification Scheme 2023. Collection method: clinical testing. Allele origin: germline.
Comment: The p.L224* pathogenic mutation (also known as c.671T>A), located in coding exon 8 of the RAD51D gene, results from a T to A substitution at nucleotide position 671. This changes the amino acid from a leucine to a stop codon within coding exon 8. This variant is considered to be rare based on population cohorts in the Genome Aggregation Database (gnomAD). This alteration is expected to result in loss of function by premature protein truncation or nonsense-mediated mRNA decay. As such, this alteration is interpreted as a disease-causing mutation.

Labcorp Genetics (formerly Invitae), Labcorp
Classification: Pathogenic for Breast-ovarian cancer, familial, susceptibility to, 4. Last evaluated: 2023-06-04. Review status: criteria provided, single submitter. Criteria: Invitae Variant Classification Sherloc (09022015). Collection method: clinical testing. Allele origin: germline.
Comment: For these reasons, this variant has been classified as Pathogenic. ClinVar contains an entry for this variant (Variation ID: 629951). This variant has not been reported in the literature in individuals affected with RAD51D-related conditions. This variant is not present in population databases (gnomAD no frequency). This sequence change creates a premature translational stop signal (p.Leu224*) in the RAD51D gene. It is expected to result in an absent or disrupted protein product. Loss-of-function variants in RAD51D are known to be pathogenic (PMID: 21822267).

Baylor Genetics
Classification: Likely pathogenic for Breast-ovarian cancer, familial, susceptibility to, 4. Last evaluated: 2021-07-14. Review status: criteria provided, single submitter. Criteria: ACMG Guidelines, 2015. Collection method: clinical testing. Allele origin: unknown.

Color Diagnostics, LLC DBA Color Health
Classification: Pathogenic for Hereditary cancer-predisposing syndrome. Last evaluated: 2021-04-08. Review status: criteria provided, single submitter. Criteria: ACMG Guidelines, 2015. Collection method: clinical testing. Allele origin: germline.
Comment: This variant changes 1 nucleotide in exon 8 of the RAD51D gene, creating a premature translation stop signal. This variant is expected to result in an absent or non-functional protein product. To our knowledge, this variant has not been reported in individuals affected with hereditary cancer in the literature. This variant has not been identified in the general population by the Genome Aggregation Database (gnomAD). Loss of RAD51D function is a known mechanism of disease. Based on the available evidence, this variant is classified as Pathogenic.

Literature cited by the submitters: PubMed 21822267 (cited by Labcorp Genetics (formerly Invitae), Labcorp).

NM_002878.4(RAD51D):c.671T>A (p.Leu224Ter)

Genes: RAD51D (RAD51 paralog D; minus strand), RAD51L3-RFFL (RAD51L3-RFFL readthrough; minus strand). Cytogenetic location: 17q12.
Variant type: single nucleotide variant.
Coding change: c.671T>A on transcript NM_002878.4 (MANE Select); coding-DNA position 671, T replaced by A.
Protein change: p.Leu224Ter; replaces leucine 224 with a stop codon.
Molecular consequence: nonsense. On other transcripts: non-coding transcript variant (3).
Genome position (GRCh38, 1-based): chr17:35,103,321, A>T on the plus strand (T>A on the coding strand, the complement: RAD51D is on the minus strand). VCF-style: chr17-35103321-A-T. GRCh37 (hg19) VCF-style: chr17-33430340-A-T.
Other names: c.731T>A, p.Leu244Ter (NM_001142571.2); c.335T>A, p.Leu112Ter (NM_133629.3); short protein forms L224*, L112*, L244*.
Identifiers: ClinVar variation 629951 (VCV000629951.10), dbSNP rs1567726305, ClinGen allele CA399087808.